The following is an entry in ClinVar:

NM_020987.5(ANK3):c.9598A>G (p.Ile3200Val)

Gene: ANK3 (ankyrin 3; minus strand). Cytogenetic location: 10q21.2.
Variant type: single nucleotide variant.
Coding change: c.9598A>G on transcript NM_020987.5 (MANE Select); coding-DNA position 9598, A replaced by G.
Protein change: p.Ile3200Val; replaces isoleucine 3200 with valine.
Molecular consequence: missense variant. On other transcripts: intron variant (4).
Genome position (GRCh38, 1-based): chr10:60,071,283, T>C on the plus strand (A>G on the coding strand, the complement: ANK3 is on the minus strand). VCF-style: chr10-60071283-T-C. GRCh37 (hg19) VCF-style: chr10-61831041-T-C.
Other names: c.4388-3274A>G (NM_001204403.2); c.4409-3274A>G (NM_001204404.2); c.4406-3274A>G (NM_001320874.2); c.1808-3274A>G (NM_001149.4); short protein forms I3200V.
Identifiers: ClinVar variation 1404454 (VCV001404454.9), dbSNP rs2131970999, ClinGen allele CA377002822.

ClinVar aggregate classification (germline): Uncertain significance. Review status: criteria provided, multiple submitters, no conflicts (2 of 4 stars). 2 submissions from 2 submitters: Uncertain significance (2). Last evaluated 2022-12-06.

Conditions:
Intellectual developmental disorder, autosomal recessive 37. Also called: Intellectual disability-hypotonia-spasticity-sleep disorder syndrome. Identifiers: Orphanet 356996, MedGen C3809672, MONDO:0014210, OMIM 615493.

Allele frequency attached by ClinVar (database versions not stated): gnomAD exomes below 0.00001.
gnomAD v4.1: 1 of 1,614,144 alleles (0.000062%); highest among the groups gnomAD compares: Non-Finnish European, 0.000085%; no homozygotes.

Submissions (2):

Labcorp Genetics (formerly Invitae), Labcorp
Classification: Uncertain significance. Last evaluated: 2022-12-06. Review status: criteria provided, single submitter. Criteria: Invitae Variant Classification Sherloc (09022015). Collection method: clinical testing. Allele origin: germline.
Comment: ClinVar contains an entry for this variant (Variation ID: 1404454). In summary, the available evidence is currently insufficient to determine the role of this variant in disease. Therefore, it has been classified as a Variant of Uncertain Significance. Advanced modeling of protein sequence and biophysical properties (such as structural, functional, and spatial information, amino acid conservation, physicochemical variation, residue mobility, and thermodynamic stability) has been performed at Invitae for this missense variant, however the output from this modeling did not meet the statistical confidence thresholds required to predict the impact of this variant on ANK3 protein function. This variant has not been reported in the literature in individuals affected with ANK3-related conditions. This variant is not present in population databases (gnomAD no frequency). This sequence change replaces isoleucine with valine at codon 3200 of the ANK3 protein (p.Ile3200Val). The isoleucine residue is weakly conserved and there is a small physicochemical difference between isoleucine and valine.

New York Genome Center
Classification: Uncertain significance for Intellectual developmental disorder, autosomal recessive 37. Last evaluated: 2021-05-14. Review status: criteria provided, single submitter. Criteria: NYGC Assertion Criteria 2020. Collection method: clinical testing. Allele origin: germline. Observed: 1 heterozygote. Study: CSER-NYCKidSeq.